The following is an entry in ClinVar:

NM_177438.3(DICER1):c.2967T>A (p.Asp989Glu)

Gene: DICER1 (dicer 1, ribonuclease III; minus strand). Cytogenetic location: 14q32.13.
Variant type: single nucleotide variant.
Coding change: c.2967T>A on transcript NM_177438.3 (MANE Select); coding-DNA position 2967, T replaced by A.
Protein change: p.Asp989Glu; replaces aspartic acid 989 with glutamic acid.
Molecular consequence: missense variant.
Genome position (GRCh38, 1-based): chr14:95,106,061, A>T on the plus strand (T>A on the coding strand, the complement: DICER1 is on the minus strand). VCF-style: chr14-95106061-A-T. GRCh37 (hg19) VCF-style: chr14-95572398-A-T.
Other names: c.2967T>A, p.Asp989Glu (NM_001195573.1, NM_001271282.3, NM_001291628.2 and 1 more transcripts); short protein forms D989E.
Identifiers: ClinVar variation 1020599 (VCV001020599.10), dbSNP rs1891391399, ClinGen allele CA390878842.

ClinVar aggregate classification (germline): Uncertain significance (1 of 4 stars; one submission).

Conditions:
DICER1-related tumor predisposition. Also called: DICER1 syndrome; DICER1-related pleuropulmonary blastoma cancer predisposition syndrome. Identifiers: Orphanet 284343, MedGen C3839822, MONDO:0100216.

Submission:

Labcorp Genetics (formerly Invitae), Labcorp
Classification: Uncertain significance for DICER1-related tumor predisposition. Last evaluated: 2020-10-13. Review status: criteria provided, single submitter. Criteria: Invitae Variant Classification Sherloc (09022015). Collection method: clinical testing. Allele origin: germline.
Comment: This sequence change replaces aspartic acid with glutamic acid at codon 989 of the DICER1 protein (p.Asp989Glu). The aspartic acid residue is highly conserved and there is a small physicochemical difference between aspartic acid and glutamic acid. This variant is not present in population databases (ExAC no frequency). This variant has not been reported in the literature in individuals with DICER1-related conditions. Algorithms developed to predict the effect of missense changes on protein structure and function (SIFT, PolyPhen-2, Align-GVGD) all suggest that this variant is likely to be disruptive, but these predictions have not been confirmed by published functional studies and their clinical significance is uncertain. In summary, the available evidence is currently insufficient to determine the role of this variant in disease. Therefore, it has been classified as a Variant of Uncertain Significance.